The following is an entry in ClinVar:

ClinVar aggregate classification (germline): Likely pathogenic. Review status: criteria provided, multiple submitters, no conflicts (2 of 4 stars). 2 submissions from 2 submitters: Likely pathogenic (2). Last evaluated 2025-01-07.

Conditions:
Hereditary acrodermatitis enteropathica (AEZ). Also called: Acrodermatitis enteropathica. Identifiers: Orphanet 37, MedGen C0221036, MONDO:0008713, OMIM 201100.

Submissions (2):

Natera, Inc.
Classification: Likely pathogenic for Acrodermatitis enteropathica. Last evaluated: 2025-01-07. Review status: criteria provided, single submitter. Criteria: Natera Variant Classification Schema (03/2026). Collection method: clinical testing. Allele origin: germline.
Comment: The c.1287+2T>C variant in SLC39A4 is a canonical splice donor site variant predicted to affect pre-mRNA splicing, which may result in an abnormal transcript and altered protein product. This variant may result in a truncated or dysfunctional protein product. This variant is rare in the general population with a frequency below the threshold expected for the associated phenotype(s). This variant has been observed in one or more individuals affected with the associated recessive disease, as either homozygous or compound heterozygous with a second variant (PMID: 21165302). Given the available evidence, this variant is classified as Likely Pathogenic.

Labcorp Genetics (formerly Invitae), Labcorp
Classification: Likely pathogenic. Last evaluated: 2021-07-01. Review status: criteria provided, single submitter. Criteria: Invitae Variant Classification Sherloc (09022015). Collection method: clinical testing. Allele origin: germline.
Comment: Algorithms developed to predict the effect of sequence changes on RNA splicing suggest that this variant may disrupt the consensus splice site, but this prediction has not been confirmed by published transcriptional studies. This variant has been observed in individual(s) with acrodermatitis enteropathica (PMID: 21165302). This variant is not present in population databases (ExAC no frequency). This sequence change affects a donor splice site in intron 7 of the SLC39A4 gene. It is expected to disrupt RNA splicing. Variants that disrupt the donor or acceptor splice site typically lead to a loss of protein function (PMID: 16199547), and loss-of-function variants in SLC39A4 are known to be pathogenic (PMID: 12955721). In summary, the currently available evidence indicates that the variant is pathogenic, but additional data are needed to prove that conclusively. Therefore, this variant has been classified as Likely Pathogenic.

Literature cited by the submitters: PubMed 21165302 (cited by Natera, Inc. and Labcorp Genetics (formerly Invitae), Labcorp); PubMed 16199547 (cited by Labcorp Genetics (formerly Invitae), Labcorp); PubMed 12955721 (cited by Labcorp Genetics (formerly Invitae), Labcorp).

NM_130849.4(SLC39A4):c.1287+2T>C

Gene: SLC39A4 (solute carrier family 39 member 4; minus strand). Cytogenetic location: 8q24.3.
Variant type: single nucleotide variant.
Coding change: c.1287+2T>C on transcript NM_130849.4 (MANE Select); the canonical splice donor site of the intron after coding-DNA position 1287, T replaced by C.
Molecular consequence: splice donor variant.
Genome position (GRCh38, 1-based): chr8:144,413,956, A>G on the plus strand (T>C on the coding strand, the complement: SLC39A4 is on the minus strand). VCF-style: chr8-144413956-A-G. GRCh37 (hg19) VCF-style: chr8-145639340-A-G.
Other names: c.1005+2T>C (NM_001374839.1); c.1212+2T>C (NM_017767.3); c.1287+2T>C (NM_130849.3).
Identifiers: ClinVar variation 1469665 (VCV001469665.9), dbSNP rs2130796422, ClinGen allele CA372619592.
Genomic context (GRCh38, chr8:144,413,956, plus strand): 5'-GCTCAGTGTCCACCAGGCCCCCAGCACACCCACCCGCCGGGTACCTTCCCAAGAAGCCTG[A>G]CCTCCGGGTCCCTGGGCAGCAGGAGATTGAAGAGGTTCTCAAACAGGAAGAAGGCGTAGA-3'